The following is an entry in ClinVar:

ClinVar aggregate classification (germline): Pathogenic (1 of 4 stars; one submission).

Conditions:
Microcephaly, normal intelligence and immunodeficiency (NBS). Also called: Nijmegen breakage syndrome; Microcephaly with normal intelligence immunodeficiency and lymphoreticular malignancies; Nonsyndromal microcephaly autosomal recessive with normal intelligence; Seemanova syndrome 2; BERLIN BREAKAGE SYNDROME; IMMUNODEFICIENCY, MICROCEPHALY, AND CHROMOSOMAL INSTABILITY. Identifiers: Orphanet 647, MedGen C0398791, MONDO:0009623, OMIM 251260.

Submission:

Labcorp Genetics (formerly Invitae), Labcorp
Classification: Pathogenic for Microcephaly, normal intelligence and immunodeficiency. Last evaluated: 2024-12-29. Review status: criteria provided, single submitter. Criteria: Invitae Variant Classification Sherloc (09022015). Collection method: clinical testing. Allele origin: germline.
Comment: This sequence change creates a premature translational stop signal (p.Lys173*) in the NBN gene. It is expected to result in an absent or disrupted protein product. Loss-of-function variants in NBN are known to be pathogenic (PMID: 9590180, 16415040). This variant is not present in population databases (gnomAD no frequency). This variant has not been reported in the literature in individuals affected with NBN-related conditions. For these reasons, this variant has been classified as Pathogenic.

Literature cited by the submitters: PubMed 9590180; PubMed 16415040.

NM_002485.5(NBN):c.517A>T (p.Lys173Ter)

Gene: NBN (nibrin; minus strand). Cytogenetic location: 8q21.3.
Variant type: single nucleotide variant.
Coding change: c.517A>T on transcript NM_002485.5 (MANE Select); coding-DNA position 517, A replaced by T.
Protein change: p.Lys173Ter; replaces lysine 173 with a stop codon.
Molecular consequence: nonsense.
Genome position (GRCh38, 1-based): chr8:89,978,287, T>A on the plus strand (A>T on the coding strand, the complement: NBN is on the minus strand). VCF-style: chr8-89978287-T-A. GRCh37 (hg19) VCF-style: chr8-90990515-T-A.
Other names: c.271A>T, p.Lys91Ter (NM_001024688.3); short protein forms K91*, K173*.
Identifiers: ClinVar variation 3728215 (VCV003728215.2).